The following is an entry in ClinVar:

ClinVar aggregate classification (germline): Uncertain significance. Review status: criteria provided, multiple submitters, no conflicts (2 of 4 stars). 2 submissions from 2 submitters: Uncertain significance (2). Last evaluated 2025-10-06.

Conditions:
Neurodevelopmental disorder with language impairment and behavioral abnormalities. Also called: GRIA2-related neurodevelopmental disorder. Identifiers: MedGen C5394502, MONDO:0030060, OMIM 618917.

Submissions (2):

Dasa
Classification: Uncertain significance. Last evaluated: 2025-10-06. Review status: criteria provided, single submitter. Criteria: DASA Assertion Criteria. Collection method: clinical testing. Allele origin: germline.
Comment: NM_001083619.3(GRIA2):c.1147C>T (p.Pro383Ser) is a missense variant that results in the substitution of proline with serine. This variant is rare in population databases. Computational prediction algorithms are consistent with a benign effect. The currently available literature and clinical evidence are not sufficient to establish a definitive association between this variant and the reported condition. Therefore, this variant is classified as a variant of uncertain significance.

Neuberg Centre For Genomic Medicine, NCGM
Classification: Uncertain significance for Neurodevelopmental disorder with language impairment and behavioral abnormalities. Review status: criteria provided, single submitter. Criteria: ACMG Guidelines, 2015. Collection method: clinical testing. Allele origin: germline. Inheritance: Autosomal dominant inheritance. Affected: yes.
Comment: The missense variant c.1147C>Tp.Pro383Ser in GRIA2 gene has not been reported previously as a pathogenic variant nor as a benign variant, to our knowledge. The variant is reported with zero frequency in gnomAD Exomes and is novel not in any individuals in1000 Genomes. The amino acid Proline at position 383 is changed to a Serine changing protein sequence and it might alter its composition and physico-chemical properties. The amino acid change p.Pro383Ser in GRIA2 is predicted as conserved by GERP++ and PhyloP across 100 vertebrates. For these reasons, this variant has been classified as Uncertain Significance.

NM_001083619.3(GRIA2):c.1147C>T (p.Pro383Ser)

Gene: GRIA2 (glutamate ionotropic receptor AMPA type subunit 2; plus strand). Cytogenetic location: 4q32.1.
Variant type: single nucleotide variant.
Coding change: c.1147C>T on transcript NM_001083619.3 (MANE Select); coding-DNA position 1147, C replaced by T.
Protein change: p.Pro383Ser; replaces proline 383 with serine.
Molecular consequence: missense variant.
Genome position (GRCh38, 1-based): chr4:157,333,345, C>T. VCF-style: chr4-157333345-C-T. GRCh37 (hg19) VCF-style: chr4-158254497-C-T.
Other names: c.1147C>T, p.Pro383Ser (NM_000826.6); c.1006C>T, p.Pro336Ser (NM_001083620.3, NM_001379000.3, NM_001379001.3); short protein forms P336S, P383S.
Identifiers: ClinVar variation 3234910 (VCV003234910.3), dbSNP rs758848836, ClinGen allele CA358647085.